The following is an entry in ClinVar:

ClinVar aggregate classification (germline): Uncertain significance (1 of 4 stars; one submission).

Conditions:
Microcephaly and chorioretinopathy 1. Also called: Microcephaly and chorioretinopathy, autosomal recessive, 1. Identifiers: MedGen C3278481, MONDO:0009624, OMIM 251270.

gnomAD v4.1: 1 of 1,613,452 alleles (0.000062%); highest among the groups gnomAD compares: African/African-American, 0.0013%; no homozygotes.

Submission:

Neuberg Centre For Genomic Medicine, NCGM
Classification: Uncertain significance for Microcephaly and chorioretinopathy 1. Last evaluated: 2023-06-22. Review status: criteria provided, single submitter. Criteria: ACMG Guidelines, 2015. Collection method: clinical testing. Allele origin: germline. Inheritance: Autosomal recessive inheritance. Affected: yes.
Comment: The observed missense variant c.2321G>A(p.Arg774Gln) in the TUBGCP6 gene has not been reported previously as a pathogenic variant nor as a benign variant, to our knowledge. This variant is absent in the gnomAD Exomes. The amino acid Arg at position 774 is changed to a Gln changing protein sequence and it might alter its composition and physico-chemical properties. Multiple lines of computational evidence (Polyphen - Damaging, SIFT - Damaging and MutationTaster - Disease causing) predict a damaging effect on protein structure and function for this variant. The residue is conserved by GERP++ and PhyloP across 100 vertebrates. For these reasons, this variant has been classified as Uncertain Significance.

NM_020461.4(TUBGCP6):c.2321G>A (p.Arg774Gln)

Gene: TUBGCP6 (tubulin gamma complex component 6; minus strand). Cytogenetic location: 22q13.33.
Variant type: single nucleotide variant.
Coding change: c.2321G>A on transcript NM_020461.4 (MANE Select); coding-DNA position 2321, G replaced by A.
Protein change: p.Arg774Gln; replaces arginine 774 with glutamine.
Molecular consequence: missense variant.
Genome position (GRCh38, 1-based): chr22:50,222,542, C>T on the plus strand (G>A on the coding strand, the complement: TUBGCP6 is on the minus strand). VCF-style: chr22-50222542-C-T. GRCh37 (hg19) VCF-style: chr22-50660971-C-T.
Other names: short protein forms R774Q.
Identifiers: ClinVar variation 3377619 (VCV003377619.1).